The following is an entry in ClinVar:

NM_004656.4(BAP1):c.989A>G (p.Asn330Ser)

Gene: BAP1 (BRCA1 associated deubiquitinase 1; minus strand). Cytogenetic location: 3p21.1.
Variant type: single nucleotide variant.
Coding change: c.989A>G on transcript NM_004656.4 (MANE Select); coding-DNA position 989, A replaced by G.
Protein change: p.Asn330Ser; replaces asparagine 330 with serine.
Molecular consequence: missense variant.
Genome position (GRCh38, 1-based): chr3:52,405,237, T>C on the plus strand (A>G on the coding strand, the complement: BAP1 is on the minus strand). VCF-style: chr3-52405237-T-C. GRCh37 (hg19) VCF-style: chr3-52439253-T-C.
Other names: short protein forms N330S.
Identifiers: ClinVar variation 472721 (VCV000472721.9), dbSNP rs1553645322, ClinGen allele CA353106073.

ClinVar aggregate classification (germline): Conflicting classifications of pathogenicity. Review status: criteria provided, conflicting classifications (1 of 4 stars). 3 submissions from 3 submitters: Uncertain significance (2); Likely benign (1). Last evaluated 2025-03-11.

Conditions:
Hereditary cancer-predisposing syndrome. Also called: Neoplastic Syndromes, Hereditary; Tumor predisposition; Hereditary Cancer Syndrome; Hereditary neoplastic syndrome. Identifiers: Orphanet 140162, MedGen C0027672, MeSH D009386, MONDO:0015356.
BAP1-related tumor predisposition syndrome (TPDS1). Also called: BAP1 tumor predisposition syndrome; COMMON Syndrome; TUMOR PREDISPOSITION SYNDROME 1; Tumor susceptibility linked to germline BAP1 mutations. Identifiers: Orphanet 289539, MedGen C3280492, MONDO:0013692, OMIM 614327.

Allele frequency attached by ClinVar (database versions not stated): TOPMed below 0.00001.

Submissions (3):

Labcorp Genetics (formerly Invitae), Labcorp
Classification: Uncertain significance for BAP1-related tumor predisposition syndrome. Last evaluated: 2025-03-11. Review status: criteria provided, single submitter. Criteria: Invitae Variant Classification Sherloc (09022015). Collection method: clinical testing. Allele origin: germline.
Comment: This sequence change replaces asparagine, which is neutral and polar, with serine, which is neutral and polar, at codon 330 of the BAP1 protein (p.Asn330Ser). This variant is not present in population databases (gnomAD no frequency). This variant has not been reported in the literature in individuals affected with BAP1-related conditions. ClinVar contains an entry for this variant (Variation ID: 472721). Invitae Evidence Modeling of protein sequence and biophysical properties (such as structural, functional, and spatial information, amino acid conservation, physicochemical variation, residue mobility, and thermodynamic stability) indicates that this missense variant is not expected to disrupt BAP1 protein function with a negative predictive value of 80%. In summary, the available evidence is currently insufficient to determine the role of this variant in disease. Therefore, it has been classified as a Variant of Uncertain Significance.

GeneDx
Classification: Uncertain significance. Last evaluated: 2023-12-26. Review status: criteria provided, single submitter. Criteria: GeneDx Variant Classification Process June 2021. Collection method: clinical testing. Allele origin: germline. Affected: yes.
Comment: Not observed at significant frequency in large population cohorts (gnomAD); In silico analysis supports that this missense variant does not alter protein structure/function; Has not been previously published as pathogenic or benign to our knowledge

Ambry Genetics
Classification: Likely benign for Hereditary cancer-predisposing syndrome. Last evaluated: 2021-07-14. Review status: criteria provided, single submitter. Criteria: Ambry Variant Classification Scheme 2023. Collection method: clinical testing. Allele origin: germline.